The following is an entry in ClinVar:

ClinVar aggregate classification (germline): Benign/Likely benign. Review status: criteria provided, multiple submitters, no conflicts (2 of 4 stars). 6 submissions from 6 submitters: Benign (2); Likely benign (4). Last evaluated 2026-01-05.

Conditions:
Inborn genetic diseases. Identifiers: MedGen C0950123, MeSH D030342.
Kleefstra syndrome 1 (KLEFS1). Identifiers: Orphanet 261494, MedGen C0795833, MONDO:0027407, OMIM 610253.

Allele frequency attached by ClinVar (database versions not stated): gnomAD 0.00013; gnomAD exomes 0.00093; 1000 Genomes Project 0.00100; ExAC 0.00106; 1000 Genomes Project 30x 0.00125.
gnomAD v4.1: 725 of 1,609,094 alleles (0.045%); highest among the groups gnomAD compares: South Asian, 0.76%; 14 homozygotes.

Submissions (6):

Labcorp Genetics (formerly Invitae), Labcorp
Classification: Benign for Kleefstra syndrome 1. Last evaluated: 2026-01-05. Review status: criteria provided, single submitter. Criteria: Invitae Variant Classification Sherloc (09022015). Collection method: clinical testing. Allele origin: germline.

CeGaT Center for Human Genetics Tuebingen
Classification: Likely benign. Last evaluated: 2024-12-01. Review status: criteria provided, single submitter. Criteria: CeGaT Center For Human Genetics Tuebingen Variant Classification Criteria Version 2. Collection method: clinical testing. Allele origin: germline. Affected: yes. Observed: 2 variant alleles.
Comment: EHMT1: BS2

GeneDx
Classification: Benign. Last evaluated: 2019-02-05. Review status: criteria provided, single submitter. Criteria: GeneDx Variant Classification Process June 2021. Collection method: clinical testing. Allele origin: germline. Affected: yes.

Ambry Genetics
Classification: Likely benign for Inborn genetic diseases. Last evaluated: 2017-04-17. Review status: criteria provided, single submitter. Criteria: Ambry Variant Classification Scheme 2023. Collection method: clinical testing. Allele origin: germline.

Eurofins Ntd Llc (ga)
Classification: Likely benign. Last evaluated: 2016-11-28. Review status: criteria provided, single submitter. Criteria: EGL Classification Definitions 2015. Collection method: clinical testing. Allele origin: germline. Observed: 1 variant allele, 1 heterozygote.

Genetic Services Laboratory, University of Chicago
Classification: Likely benign. Last evaluated: 2015-07-17. Review status: criteria provided, single submitter. Criteria: ACMG Guidelines, 2015. Collection method: clinical testing. Allele origin: germline.

NM_024757.5(EHMT1):c.3028G>A (p.Val1010Met)

Gene: EHMT1 (euchromatic histone lysine methyltransferase 1; plus strand). Cytogenetic location: 9q34.3.
Variant type: single nucleotide variant.
Coding change: c.3028G>A on transcript NM_024757.5 (MANE Select); coding-DNA position 3028, G replaced by A.
Protein change: p.Val1010Met; replaces valine 1010 with methionine.
Molecular consequence: missense variant.
Genome position (GRCh38, 1-based): chr9:137,813,166, G>A. VCF-style: chr9-137813166-G-A. GRCh37 (hg19) VCF-style: chr9-140707618-G-A.
Other names: c.3007G>A, p.Val1003Met (NM_001354263.2); short protein forms V1010M, V1003M.
Identifiers: ClinVar variation 210924 (VCV000210924.41), dbSNP rs200237137, ClinGen allele CA205938.